The following is an entry in ClinVar:

ClinVar aggregate classification (germline): Benign. Review status: criteria provided, multiple submitters, no conflicts (2 of 4 stars). 10 submissions from 10 submitters: Benign (9). 1 of the submissions does not count toward it. Last evaluated 2026-02-02.

Conditions:
Sarcoglycanopathy. Identifiers: Orphanet 207052, MedGen C2936331, MONDO:0016140.
Autosomal recessive limb-girdle muscular dystrophy type 2D (LGMDR3). Also called: MUSCULAR DYSTROPHY, LIMB-GIRDLE, AUTOSOMAL RECESSIVE 3; DUCHENNE-LIKE AUTOSOMAL RECESSIVE MUSCULAR DYSTROPHY, TYPE 2; ADHALINOPATHY, PRIMARY. Identifiers: Orphanet 62, MedGen C2936332, MONDO:0011968, OMIM 608099. Disease mechanism: Affects gamma-sarcoglycan and also disrupts the integrity of the entire sarcoglycan complex..

Allele frequency attached by ClinVar (database versions not stated): ExAC 0.00725; ESP Exome Variant Server 0.00862; gnomAD 0.00868 and 0.00912; TOPMed 0.00941; 1000 Genomes Project 0.01098; 1000 Genomes Project 30x 0.01156; gnomAD exomes 0.00124 and 0.00277.
gnomAD v4.1: 3,223 of 1,580,106 alleles (0.2%); highest among the groups gnomAD compares: African/African-American, 2.9%; 45 homozygotes.

Submissions (10):

Labcorp Genetics (formerly Invitae), Labcorp
Classification: Benign for Autosomal recessive limb-girdle muscular dystrophy type 2D. Last evaluated: 2026-02-02. Review status: criteria provided, single submitter. Criteria: Invitae Variant Classification Sherloc (09022015). Collection method: clinical testing. Allele origin: germline.

ARUP Laboratories, Molecular Genetics and Genomics, ARUP Laboratories
Classification: Benign for Autosomal recessive limb-girdle muscular dystrophy type 2D. Last evaluated: 2023-09-21. Review status: criteria provided, single submitter. Criteria: ARUP Molecular Germline Variant Investigation Process 2024. Collection method: clinical testing. Allele origin: germline.

Genome-Nilou Lab
Classification: Benign for Autosomal recessive limb-girdle muscular dystrophy type 2D. Last evaluated: 2023-02-08. Review status: criteria provided, single submitter. Criteria: ACMG Guidelines, 2015. Collection method: clinical testing. Allele origin: germline.

Mayo Clinic Laboratories, Mayo Clinic
Classification: Benign. Last evaluated: 2018-05-15. Review status: criteria provided, single submitter. Criteria: ACMG Guidelines, 2015. Collection method: clinical testing. Allele origin: germline. Observed: 11 variant alleles.

Illumina Laboratory Services, Illumina
Classification: Benign for Sarcoglycanopathy. Last evaluated: 2018-01-12. Review status: criteria provided, single submitter. Criteria: ICSL Variant Classification Criteria 13 December 2019. Collection method: clinical testing. Allele origin: germline.
Comment: This variant was observed in the ICSL laboratory as part of a predisposition screen in an ostensibly healthy population. It had not been previously curated by ICSL or reported in the Human Gene Mutation Database (HGMD: prior to June 1st, 2018), and was therefore a candidate for classification through an automated scoring system. Utilizing variant allele frequency, disease prevalence and penetrance estimates, and inheritance mode, an automated score was calculated to assess if this variant is too frequent to cause the disease. Based on the score and internal cut-off values, a variant classified as benign is not then subjected to further curation. The score for this variant resulted in a classification of benign for this disease.

Athena Diagnostics
Classification: Benign. Last evaluated: 2017-09-21. Review status: criteria provided, single submitter. Criteria: Athena Diagnostics Criteria. Collection method: clinical testing. Allele origin: germline.

GeneDx
Classification: Benign. Last evaluated: 2017-01-10. Review status: criteria provided, single submitter. Criteria: GeneDx Variant Classification (06012015). Collection method: clinical testing. Allele origin: germline. Affected: yes.
Comment: This variant is considered likely benign or benign based on one or more of the following criteria: it is a conservative change, it occurs at a poorly conserved position in the protein, it is predicted to be benign by multiple in silico algorithms, and/or has population frequency not consistent with disease.

Breakthrough Genomics
Classification: Benign. Review status: criteria provided, single submitter. Criteria: ACMG Guidelines, 2015. Collection method: not provided. Allele origin: germline. Inheritance: Autosomal recessive inheritance. Affected: yes.

PreventionGenetics, part of Exact Sciences
Classification: Benign. Review status: criteria provided, single submitter. Criteria: ACMG Guidelines, 2015. Collection method: clinical testing. Allele origin: germline.

Genetic Services Laboratory, University of Chicago
Classification: Likely benign for AllHighlyPenetrant. Review status: no assertion criteria provided. Collection method: clinical testing. Allele origin: germline. Inheritance: Autosomal recessive inheritance. Not counted in ClinVar's aggregate classification.
Comment: Likely benign based on allele frequency in 1000 Genomes Project or ESP global frequency and its presence in a patient with a rare or unrelated disease phenotype. NOT Sanger confirmed.

Literature cited by the submitters: PubMed 9192266 (cited by Athena Diagnostics).

NM_000023.4(SGCA):c.528C>T (p.Thr176=)

Gene: SGCA (sarcoglycan alpha; plus strand). Cytogenetic location: 17q21.33.
Variant type: single nucleotide variant.
Coding change: c.528C>T on transcript NM_000023.4 (MANE Select); coding-DNA position 528, C replaced by T.
Protein change: p.Thr176=; no amino-acid change (threonine 176 retained).
Molecular consequence: synonymous variant. On other transcripts: non-coding transcript variant (1).
Genome position (GRCh38, 1-based): chr17:50,168,516, C>T. VCF-style: chr17-50168516-C-T. GRCh37 (hg19) VCF-style: chr17-48245877-C-T.
Other names: p.Thr176=; c.528C>T, p.Thr176= (NM_001135697.3).
Identifiers: ClinVar variation 130293 (VCV000130293.34), dbSNP rs1801190, ClinGen allele CA155174.